The following is an entry in ClinVar:

ClinVar aggregate classification (germline): Conflicting classifications of pathogenicity. Review status: criteria provided, conflicting classifications (1 of 4 stars). 9 submissions from 9 submitters: Uncertain significance (7); Likely benign (1). 1 of the submissions does not count toward it. Last evaluated 2026-01-26.

Conditions:
Hereditary cancer-predisposing syndrome. Also called: Tumor predisposition; Hereditary Cancer Syndrome; Hereditary neoplastic syndrome; Neoplastic Syndromes, Hereditary. Identifiers: Orphanet 140162, MedGen C0027672, MeSH D009386, MONDO:0015356.
Familial cancer of breast. Also called: BREAST CANCER, FAMILIAL; hereditary breast carcinoma; Hereditary breast cancer. Identifiers: Orphanet 227535, MedGen C0346153, MONDO:0016419, OMIM 114480. Disease mechanism: loss of function.
Ataxia-telangiectasia syndrome (AT). Also called: LOUIS-BAR SYNDROME; Cerebello-oculocutaneous telangiectasia; Immunodeficiency with ataxia telangiectasia; ATAXIA-TELANGIECTASIA, COMPLEMENTATION GROUP A; ATAXIA-TELANGIECTASIA, FRESNO VARIANT; Ataxia-telangiectasia. Identifiers: Orphanet 100, MedGen C0004135, MONDO:0008840, OMIM 208900.

Allele frequency attached by ClinVar (database versions not stated): gnomAD 0.00003 and 0.00004; TOPMed 0.00003; ESP Exome Variant Server 0.00008.
gnomAD v4.1: 23 of 1,613,286 alleles (0.0014%); highest among the groups gnomAD compares: East Asian, 0.0022%; no homozygotes.

Submissions (9):

Labcorp Genetics (formerly Invitae), Labcorp
Classification: Uncertain significance for Ataxia-telangiectasia syndrome. Last evaluated: 2026-01-26. Review status: criteria provided, single submitter. Criteria: Invitae Variant Classification Sherloc (09022015). Collection method: clinical testing. Allele origin: germline.
Comment: This sequence change replaces arginine, which is basic and polar, with histidine, which is basic and polar, at codon 1489 of the ATM protein (p.Arg1489His). This variant is present in population databases (rs201594549, gnomAD 0.003%). This missense change has been observed in individual(s) with breast cancer, prostate cancer, chronic lymphocytic leukaemia (PMID: 30303537, 33436325, 36029002). ClinVar contains an entry for this variant (Variation ID: 181959). Invitae Evidence Modeling of protein sequence and biophysical properties (such as structural, functional, and spatial information, amino acid conservation, physicochemical variation, residue mobility, and thermodynamic stability) indicates that this missense variant is not expected to disrupt ATM protein function with a negative predictive value of 95%. In summary, the available evidence is currently insufficient to determine the role of this variant in disease. Therefore, it has been classified as a Variant of Uncertain Significance.

Ambry Genetics
Classification: Uncertain significance for Hereditary cancer-predisposing syndrome. Last evaluated: 2025-10-21. Review status: criteria provided, single submitter. Criteria: Ambry Variant Classification Scheme 2023. Collection method: clinical testing. Allele origin: germline.
Comment: The p.R1489H variant (also known as c.4466G>A), located in coding exon 29 of the ATM gene, results from a G to A substitution at nucleotide position 4466. The arginine at codon 1489 is replaced by histidine, an amino acid with highly similar properties. This amino acid position is well conserved in available vertebrate species. In addition, this alteration is predicted to be tolerated by in silico analysis. Based on the available evidence, the clinical significance of this variant remains unclear.

KCCC/NGS Laboratory, Kuwait Cancer Control Center
Classification: Uncertain significance for Familial cancer of breast. Last evaluated: 2025-08-04. Review status: criteria provided, single submitter. Criteria: ACMG Guidelines, 2015. Collection method: clinical testing. Allele origin: germline. Inheritance: Autosomal dominant inheritance. Affected: yes. Observed: 1 heterozygote.
Comment: This sequence change replaces arginine, which is basic and polar, with histidine, which is basic and polar, at codon 1489 of the ATM protein (p.Arg1489His). This variant is present in population databases (rs201594549, gnomAD 0.003%).

Color Diagnostics, LLC DBA Color Health
Classification: Uncertain significance for Hereditary cancer-predisposing syndrome. Last evaluated: 2025-04-28. Review status: criteria provided, single submitter. Criteria: ACMG Guidelines, 2015. Collection method: clinical testing. Allele origin: germline.
Comment: This missense variant replaces arginine with histidine at codon 1489 of the ATM protein. Computational prediction suggests that this variant may not impact protein structure and function. To our knowledge, functional studies have not been reported for this variant. This variant has been reported in individuals affected with breast cancer and in one or more unaffected control individual in breast cancer case-control studies (PMID: 28779002, 30287823). This variant has been identified in 4/282602 chromosomes in the general population by the Genome Aggregation Database (gnomAD). The available evidence is insufficient to determine the role of this variant in disease conclusively. Therefore, this variant is classified as a Variant of Uncertain Significance.

GeneDx
Classification: Uncertain significance. Last evaluated: 2025-02-18. Review status: criteria provided, single submitter. Criteria: GeneDx Variant Classification Process June 2021. Collection method: clinical testing. Allele origin: germline. Affected: yes.
Comment: Not observed at significant frequency in large population cohorts (gnomAD); In silico analysis indicates that this missense variant does not alter protein structure/function; Observed in individuals with chronic lymphocytic leukemia, breast, and prostate cancer (PMID: 28779002, 30303537, 33436325, 36029002); This variant is associated with the following publications: (PMID: 30287823, 30303537, 33436325, 32980694, 28779002, 36029002, 36243179)

Myriad Genetics, Inc.
Classification: Likely benign for Familial cancer of breast. Last evaluated: 2024-05-20. Review status: criteria provided, single submitter. Criteria: Myriad Autosomal Dominant, Autosomal Recessive and X-Linked Classification Criteria (2023). Collection method: clinical testing. Allele origin: unknown.
Comment: This variant is considered likely benign. This variant is strongly associated with less severe personal and family histories of cancer, typical for individuals without pathogenic variants in this gene [PMID: 25085752].

Baylor Genetics
Classification: Uncertain significance for Familial cancer of breast. Last evaluated: 2024-02-21. Review status: criteria provided, single submitter. Criteria: ACMG Guidelines, 2015. Collection method: clinical testing. Allele origin: unknown.

Athena Diagnostics
Classification: Uncertain significance. Last evaluated: 2018-02-27. Review status: criteria provided, single submitter. Criteria: Athena Diagnostics Criteria. Collection method: clinical testing. Allele origin: germline.

Natera, Inc.
Classification: Uncertain significance for Ataxia-telangiectasia. Last evaluated: 2020-12-04. Review status: no assertion criteria provided. Collection method: clinical testing. Allele origin: germline. Not counted in ClinVar's aggregate classification.

Literature cited by the submitters: PubMed 30303537 (cited by Labcorp Genetics (formerly Invitae), Labcorp); PubMed 33436325 (cited by Labcorp Genetics (formerly Invitae), Labcorp); PubMed 36029002 (cited by Labcorp Genetics (formerly Invitae), Labcorp); PubMed 30287823 (cited by Ambry Genetics and Color Diagnostics, LLC DBA Color Health); PubMed 28779002 (cited by Color Diagnostics, LLC DBA Color Health); PubMed 25085752 (cited by Myriad Genetics, Inc.).

NM_000051.4(ATM):c.4466G>A (p.Arg1489His)

Gene: ATM (ATM serine/threonine kinase; plus strand). Cytogenetic location: 11q22.3.
Variant type: single nucleotide variant.
Coding change: c.4466G>A on transcript NM_000051.4 (MANE Select); coding-DNA position 4466, G replaced by A.
Protein change: p.Arg1489His; replaces arginine 1489 with histidine.
Molecular consequence: missense variant.
Genome position (GRCh38, 1-based): chr11:108,292,648, G>A. VCF-style: chr11-108292648-G-A. GRCh37 (hg19) VCF-style: chr11-108163375-G-A.
Other names: p.R1489H:CGT>CAT; c.4466G>A, p.Arg1489His (NM_001351834.2); short protein forms R1489H.
Identifiers: ClinVar variation 181959 (VCV000181959.33), dbSNP rs201594549, ClinGen allele CA298251.